The following is an entry in ClinVar:

ClinVar aggregate classification (germline): Uncertain significance (1 of 4 stars; one submission).

Conditions:
Congenital myasthenic syndrome 20. Also called: Myasthenic syndrome, congenital, 20, presynaptic. Identifiers: MedGen C4310694, MONDO:0014939, OMIM 617143.
Neuronopathy, distal hereditary motor, type 7A. Also called: NEURONOPATHY, DISTAL HEREDITARY MOTOR, HARDING TYPE VIIA; NEUROPATHY, DISTAL HEREDITARY MOTOR, HARDING TYPE VIIA; Neuronopathy, distal hereditary motor, autosomal dominant 7; HARPER-YOUNG MYOPATHY; HMN VIIA; Neuronopathy, distal hereditary motor, type viia. Identifiers: Orphanet 139589, MedGen C1834703, MONDO:0008024, OMIM 158580.

Submission:

Labcorp Genetics (formerly Invitae), Labcorp
Classification: Uncertain significance for Neuronopathy, distal hereditary motor, type 7A; Congenital myasthenic syndrome 20. Last evaluated: 2025-12-16. Review status: criteria provided, single submitter. Criteria: Invitae Variant Classification Sherloc (09022015). Collection method: clinical testing. Allele origin: germline.
Comment: This sequence change replaces methionine, which is neutral and non-polar, with leucine, which is neutral and non-polar, at codon 126 of the SLC5A7 protein (p.Met126Leu). This variant is present in population databases (rs371931981, gnomAD 0.007%). This variant has not been reported in the literature in individuals affected with SLC5A7-related conditions. Invitae Evidence Modeling of protein sequence and biophysical properties (such as structural, functional, and spatial information, amino acid conservation, physicochemical variation, residue mobility, and thermodynamic stability) indicates that this missense variant is not expected to disrupt SLC5A7 protein function with a negative predictive value of 80%. In summary, the available evidence is currently insufficient to determine the role of this variant in disease. Therefore, it has been classified as a Variant of Uncertain Significance.

NM_021815.5(SLC5A7):c.376A>T (p.Met126Leu)

Gene: SLC5A7 (solute carrier family 5 member 7; plus strand). Cytogenetic location: 2q12.3.
Variant type: single nucleotide variant.
Coding change: c.376A>T on transcript NM_021815.5 (MANE Select); coding-DNA position 376, A replaced by T.
Protein change: p.Met126Leu; replaces methionine 126 with leucine.
Molecular consequence: missense variant. On other transcripts: 5 prime UTR variant (1).
Genome position (GRCh38, 1-based): chr2:107,993,055, A>T. VCF-style: chr2-107993055-A-T. GRCh37 (hg19) VCF-style: chr2-108609511-A-T.
Other names: c.376A>T, p.Met126Leu (NM_001305005.3); c.61A>T, p.Met21Leu (NM_001305006.3); c.-329A>T (NM_001305007.3); short protein forms M126L, M21L.
Identifiers: ClinVar variation 4793936 (VCV004793936.1).